The following is an entry in ClinVar:

NM_005215.4(DCC):c.632G>C (p.Arg211Pro)

Gene: DCC (DCC netrin 1 receptor; plus strand). Cytogenetic location: 18q21.2.
Variant type: single nucleotide variant.
Coding change: c.632G>C on transcript NM_005215.4 (MANE Select); coding-DNA position 632, G replaced by C.
Protein change: p.Arg211Pro; replaces arginine 211 with proline.
Molecular consequence: missense variant.
Genome position (GRCh38, 1-based): chr18:52,906,263, G>C. VCF-style: chr18-52906263-G-C. GRCh37 (hg19) VCF-style: chr18-50432633-G-C.
Other names: short protein forms R211P.
Identifiers: ClinVar variation 2504683 (VCV002504683.1), dbSNP rs759439297, ClinGen allele CA402513924.

ClinVar aggregate classification (germline): Uncertain significance (1 of 4 stars; one submission).

Submission:

GeneDx
Classification: Uncertain significance. Last evaluated: 2022-12-07. Review status: criteria provided, single submitter. Criteria: GeneDx Variant Classification Process June 2021. Collection method: clinical testing. Allele origin: germline. Affected: yes.
Comment: Not observed at significant frequency in large population cohorts (gnomAD); In silico analysis supports that this missense variant has a deleterious effect on protein structure/function; Has not been previously published as pathogenic or benign to our knowledge